The following is an entry in ClinVar:

NM_000350.3(ABCA4):c.6068T>C (p.Ile2023Thr)

Gene: ABCA4 (ATP binding cassette subfamily A member 4; minus strand). Cytogenetic location: 1p22.1.
Variant type: single nucleotide variant.
Coding change: c.6068T>C on transcript NM_000350.3 (MANE Select); coding-DNA position 6068, T replaced by C.
Protein change: p.Ile2023Thr; replaces isoleucine 2023 with threonine.
Molecular consequence: missense variant.
Genome position (GRCh38, 1-based): chr1:94,005,520, A>G on the plus strand (T>C on the coding strand, the complement: ABCA4 is on the minus strand). VCF-style: chr1-94005520-A-G. GRCh37 (hg19) VCF-style: chr1-94471076-A-G.
Other names: c.5846T>C, p.Ile1949Thr (NM_001425324.1); short protein forms I2023T, I1949T.
Identifiers: ClinVar variation 1023206 (VCV001023206.5), dbSNP rs150633517, ClinGen allele CA957033.

ClinVar aggregate classification (germline): Uncertain significance. Review status: criteria provided, multiple submitters, no conflicts (2 of 4 stars). 2 submissions from 2 submitters: Uncertain significance (2). Last evaluated 2023-05-24.

Allele frequency attached by ClinVar (database versions not stated): gnomAD exomes 0.00002 and 0.00004; ExAC 0.00007; ESP Exome Variant Server 0.00008; 1000 Genomes Project 30x 0.00016; 1000 Genomes Project 0.00020; gnomAD 0.00021; TOPMed 0.00023.
gnomAD v4.1: 55 of 1,614,128 alleles (0.0034%); highest among the groups gnomAD compares: African/African-American, 0.06%; no homozygotes.

Submissions (2):

Blueprint Genetics
Classification: Uncertain significance. Last evaluated: 2023-05-24. Review status: criteria provided, single submitter. Criteria: ACMG Guidelines, 2015. Collection method: clinical testing. Allele origin: germline.

Labcorp Genetics (formerly Invitae), Labcorp
Classification: Uncertain significance. Last evaluated: 2022-07-06. Review status: criteria provided, single submitter. Criteria: Invitae Variant Classification Sherloc (09022015). Collection method: clinical testing. Allele origin: germline.
Comment: This sequence change replaces isoleucine, which is neutral and non-polar, with threonine, which is neutral and polar, at codon 2023 of the ABCA4 protein (p.Ile2023Thr). This variant is present in population databases (rs150633517, gnomAD 0.06%). This missense change has been observed in individual(s) with Stargardt disease (PMID: 26780318). ClinVar contains an entry for this variant (Variation ID: 1023206). Algorithms developed to predict the effect of missense changes on protein structure and function (SIFT, PolyPhen-2, Align-GVGD) all suggest that this variant is likely to be disruptive. In summary, the available evidence is currently insufficient to determine the role of this variant in disease. Therefore, it has been classified as a Variant of Uncertain Significance.

Literature cited by the submitters: PubMed 26780318 (cited by Labcorp Genetics (formerly Invitae), Labcorp).